The following is an entry in ClinVar:

ClinVar aggregate classification (germline): Benign/Likely benign. Review status: criteria provided, multiple submitters, no conflicts (2 of 4 stars). 6 submissions from 6 submitters: Benign (5); Likely benign (1). Last evaluated 2026-02-04.

Allele frequency attached by ClinVar (database versions not stated): 1000 Genomes Project 30x 0.23282; 1000 Genomes Project 0.23642; TOPMed 0.31510; gnomAD 0.32121 and 0.32480; ESP Exome Variant Server 0.33769; gnomAD exomes 0.34011 and 0.39286; ExAC 0.34078.
gnomAD v4.1: 621,647 of 1,613,390 alleles (39%); highest among the groups gnomAD compares: Non-Finnish European, 42%; 125,470 homozygotes.

Submissions (6):

Labcorp Genetics (formerly Invitae), Labcorp
Classification: Benign. Last evaluated: 2026-02-04. Review status: criteria provided, single submitter. Criteria: Invitae Variant Classification Sherloc (09022015). Collection method: clinical testing. Allele origin: germline.

Blueprint Genetics
Classification: Likely benign. Last evaluated: 2024-11-28. Review status: criteria provided, single submitter. Criteria: ACMG Guidelines, 2015. Collection method: clinical testing. Allele origin: germline.

Unidad de Genómica Garrahan, Hospital de Pediatría Garrahan
Classification: Benign. Last evaluated: 2023-11-12. Review status: criteria provided, single submitter. Criteria: ACMG Guidelines, 2015. Collection method: clinical testing. Allele origin: germline. Affected: no. Observed: 50 variant alleles.
Comment: This variant is classified as Benign based on local population frequency. This variant was detected in 52% of patients studied by a panel of primary immunodeficiencies. Number of patients: 50. Only high quality variants are reported.

Mayo Clinic Laboratories, Mayo Clinic
Classification: Benign. Last evaluated: 2022-09-29. Review status: criteria provided, single submitter. Criteria: ACMG Guidelines, 2015. Collection method: clinical testing. Allele origin: germline. Observed: 1,076 variant alleles.

GeneDx
Classification: Benign. Last evaluated: 2018-12-26. Review status: criteria provided, single submitter. Criteria: GeneDx Variant Classification Process June 2021. Collection method: clinical testing. Allele origin: germline. Affected: yes.

Breakthrough Genomics
Classification: Benign. Review status: criteria provided, single submitter. Criteria: ACMG Guidelines, 2015. Collection method: not provided. Allele origin: germline. Inheritance: Autosomal recessive inheritance. Affected: yes.

NM_001261826.3(AP3D1):c.156A>C (p.Ile52=)

Gene: AP3D1 (adaptor related protein complex 3 subunit delta 1; minus strand). Cytogenetic location: 19p13.3.
Variant type: single nucleotide variant.
Coding change: c.156A>C on transcript NM_001261826.3 (MANE Select); coding-DNA position 156, A replaced by C.
Protein change: p.Ile52=; no amino-acid change (isoleucine 52 retained).
Molecular consequence: synonymous variant.
Genome position (GRCh38, 1-based): chr19:2,138,655, T>G on the plus strand (A>C on the coding strand, the complement: AP3D1 is on the minus strand). VCF-style: chr19-2138655-T-G. GRCh37 (hg19) VCF-style: chr19-2138654-T-G.
Other names: p.Ile52=; c.156A>C, p.Ile52= (NM_001374799.1, NM_003938.8).
Identifiers: ClinVar variation 1169718 (VCV001169718.17), dbSNP rs25672, ClinGen allele CA9059851.